The following is an entry in ClinVar:

ClinVar aggregate classification (germline): Likely pathogenic (1 of 4 stars; one submission).

Allele frequency attached by ClinVar (database versions not stated): gnomAD 0.00001; TOPMed 0.00001.
gnomAD v4.1: 3 of 1,612,040 alleles (0.00019%); highest among the groups gnomAD compares: Non-Finnish European, 0.00025%; no homozygotes.

Submission:

Athena Diagnostics
Classification: Likely pathogenic. Last evaluated: 2023-03-07. Review status: criteria provided, single submitter. Criteria: Athena Diagnostics Criteria. Collection method: clinical testing. Allele origin: unknown.
Comment: The frequency of this variant in the general population is consistent with pathogenicity. This variant has been identified in at least one individual with clinical features associated with this gene. Assessment of experimental evidence suggests this variant results in abnormal protein function. (PMID: 20352044)

Literature cited by the submitters: PubMed 30739198; PubMed 20352044; PubMed 22521643; PubMed 33097688; PubMed 34726688.

NM_014043.4(CHMP2B):c.618A>T (p.Gln206His)

Gene: CHMP2B (charged multivesicular body protein 2B; plus strand). Cytogenetic location: 3p11.2.
Variant type: single nucleotide variant.
Coding change: c.618A>T on transcript NM_014043.4 (MANE Select); coding-DNA position 618, A replaced by T.
Protein change: p.Gln206His; replaces glutamine 206 with histidine.
Molecular consequence: missense variant.
Genome position (GRCh38, 1-based): chr3:87,253,798, A>T. VCF-style: chr3-87253798-A-T. GRCh37 (hg19) VCF-style: chr3-87302948-A-T.
Other names: c.495A>T, p.Gln165His (NM_001244644.2); c.714A>T, p.Gln238His (NM_001410777.1); short protein forms Q165H, Q206H, Q238H.
Identifiers: ClinVar variation 2684154 (VCV002684154.1), dbSNP rs63751126, ClinGen allele CA2501045.
Genomic context (GRCh38, chr3:87,253,798, plus strand): 5'-AAGCTTACCATCTGCCTCTACTTCAAAGGCTACAATCTCAGATGAAGAGATTGAACGGCA[A>T]CTCAAGGCTTTAGGAGTAGATTAGTCAAAAGAAGTCATACTATTTTGCTTACTTATAATT-3'
Protein context (NP_054762.2, residues 196-213): ATISDEEIER[Gln206His]LKALGVD